The following is an entry in ClinVar:

ClinVar aggregate classification (germline): Likely benign. Review status: criteria provided, single submitter (1 of 4 stars). 2 submissions from 2 submitters: Likely benign (1). 1 of the submissions does not count toward it. Last evaluated 2024-01-02.

Conditions:
TUB-related disorder. Also called: TUB-related condition.

Allele frequency attached by ClinVar (database versions not stated): gnomAD 0.00001; ExAC 0.00002; TOPMed 0.00002; gnomAD exomes 0.00003; ESP Exome Variant Server 0.00008.

Submissions (2):

Labcorp Genetics (formerly Invitae), Labcorp
Classification: Likely benign. Last evaluated: 2024-01-02. Review status: criteria provided, single submitter. Criteria: Invitae Variant Classification Sherloc (09022015). Collection method: clinical testing. Allele origin: germline.

PreventionGenetics, part of Exact Sciences
Classification: Likely benign for TUB-related condition. Last evaluated: 2022-11-04. Review status: no assertion criteria provided. Collection method: clinical testing. Allele origin: germline. Not counted in ClinVar's aggregate classification.
Comment: This variant is classified as likely benign based on ACMG/AMP sequence variant interpretation guidelines (Richards et al. 2015 PMID: 25741868, with internal and published modifications).

NM_177972.3(TUB):c.39-10C>T

Gene: TUB (TUB bipartite transcription factor; plus strand). Cytogenetic location: 11p15.4.
Variant type: single nucleotide variant.
Coding change: c.39-10C>T on transcript NM_177972.3 (MANE Select); 10 bases into the intron before coding-DNA position 39, C replaced by T.
Molecular consequence: intron variant.
Genome position (GRCh38, 1-based): chr11:8,089,600, C>T. VCF-style: chr11-8089600-C-T. GRCh37 (hg19) VCF-style: chr11-8111147-C-T.
Other names: c.204-10C>T (NM_003320.5, NM_003320.4).
Identifiers: ClinVar variation 1114277 (VCV001114277.11), dbSNP rs376106107, ClinGen allele CA5870923.